The following is an entry in ClinVar:

NM_004260.4(RECQL4):c.211G>T (p.Glu71Ter)

Gene: RECQL4 (RecQ like helicase 4; minus strand). Cytogenetic location: 8q24.3.
Variant type: single nucleotide variant.
Coding change: c.211G>T on transcript NM_004260.4 (MANE Select); coding-DNA position 211, G replaced by T.
Protein change: p.Glu71Ter; replaces glutamic acid 71 with a stop codon.
Molecular consequence: nonsense. On other transcripts: 5 prime UTR variant (16), non-coding transcript variant (3), intron variant (2).
Genome position (GRCh38, 1-based): chr8:144,517,416, C>A on the plus strand (G>T on the coding strand, the complement: RECQL4 is on the minus strand). VCF-style: chr8-144517416-C-A. GRCh37 (hg19) VCF-style: chr8-145742800-C-A.
Other names: c.211G>T, p.Glu71Ter (NM_001413017.1, NM_001413018.1, NM_001413019.1 and 5 more transcripts); c.-510G>T (NM_001413021.1); c.-861G>T (NM_001413022.1, NM_001413023.1, NM_001413037.1 and 2 more transcripts); c.-758G>T (NM_001413024.1, NM_001413035.1); c.-923G>T (NM_001413027.1, NM_001413030.1, NM_001413031.1 and 1 more transcripts); c.-586G>T (NM_001413028.1); c.-820G>T (NM_001413032.1); c.-765G>T (NM_001413034.1); and 3 more; short protein forms E71*.
Identifiers: ClinVar variation 3690864 (VCV003690864.2).
Genomic context (GRCh38, chr8:144,517,416, plus strand): 5'-CCCGCCACTCCGCCAAACAGGGAAGTGGGAGGAGGCTGGGGCGGCGGGGCCTGGGTACCT[C>A]TTCGGCCGCCGCGGGGAGCGACTCGGAGCTGCGGAGCCCGCCGCCGGCCTGGCCCGTGGT-3'

ClinVar aggregate classification (germline): Pathogenic (1 of 4 stars; one submission).

Conditions:
Baller-Gerold syndrome (BGS). Also called: CRANIOSYNOSTOSIS WITH RADIAL DEFECTS. Identifiers: Orphanet 1225, MedGen C0265308, MONDO:0009039, OMIM 218600.

gnomAD v4.1: 1 of 1,570,644 alleles (0.000064%); highest among the groups gnomAD compares: Non-Finnish European, 0.000086%; no homozygotes.

Submission:

Labcorp Genetics (formerly Invitae), Labcorp
Classification: Pathogenic for Baller-Gerold syndrome. Last evaluated: 2024-09-29. Review status: criteria provided, single submitter. Criteria: Invitae Variant Classification Sherloc (09022015). Collection method: clinical testing. Allele origin: germline.
Comment: This sequence change creates a premature translational stop signal (p.Glu71*) in the RECQL4 gene. It is expected to result in an absent or disrupted protein product. Loss-of-function variants in RECQL4 are known to be pathogenic (PMID: 12734318, 12952869). This variant is not present in population databases (gnomAD no frequency). This variant has not been reported in the literature in individuals affected with RECQL4-related conditions. For these reasons, this variant has been classified as Pathogenic.

Literature cited by the submitters: PubMed 12734318; PubMed 12952869.